The following is an entry in ClinVar:

NM_001267550.2(TTN):c.15850G>A (p.Val5284Met)

Gene: TTN (titin; minus strand). Cytogenetic location: 2q31.2.
Variant type: single nucleotide variant.
Coding change: c.15850G>A on transcript NM_001267550.2 (MANE Select); coding-DNA position 15850, G replaced by A.
Protein change: p.Val5284Met; replaces valine 5284 with methionine.
Molecular consequence: missense variant. On other transcripts: intron variant (3).
Genome position (GRCh38, 1-based): chr2:178,733,443, C>T on the plus strand (G>A on the coding strand, the complement: TTN is on the minus strand). VCF-style: chr2-178733443-C-T. GRCh37 (hg19) VCF-style: chr2-179598170-C-T.
Other names: p.V4967M:GTG>ATG; p.Val4967Met; c.14899G>A, p.Val4967Met (NM_001256850.1); c.12118G>A, p.Val4040Met (NM_133378.4); c.13282+4639G>A (NM_003319.4); c.13858+4639G>A (NM_133437.4); c.13657+4639G>A (NM_133432.3); short protein forms V5284M, V4040M, V4967M.
Identifiers: ClinVar variation 46608 (VCV000046608.55), dbSNP rs66839174, ClinGen allele CA138745.

ClinVar aggregate classification (germline): Benign/Likely benign. Review status: criteria provided, multiple submitters, no conflicts (2 of 4 stars). 19 submissions from 16 submitters: Benign (10); Likely benign (5). 4 of the submissions do not count toward it. Last evaluated 2026-02-02.

Conditions:
Dilated cardiomyopathy 1G (CMD1G). Identifiers: Orphanet 154, MedGen C1858763, MONDO:0011400, OMIM 604145.
Autosomal recessive limb-girdle muscular dystrophy type 2J (LGMDR10). Also called: MUSCULAR DYSTROPHY, LIMB-GIRDLE, AUTOSOMAL RECESSIVE 10; Limb-girdle muscular dystrophy, type 2J. Identifiers: Orphanet 140922, MedGen C1837342, MONDO:0012127, OMIM 608807.
Early-onset myopathy with fatal cardiomyopathy (CMYO5). Also called: CONGENITAL MYOPATHY 5 WITH CARDIOMYOPATHY; Salih Myopathy. Identifiers: Orphanet 289377, MedGen C2673677, MONDO:0012714, OMIM 611705. Disease mechanism: loss of function.
Myopathy, myofibrillar, 9, with early respiratory failure (MFM9). Also called: Myopathy, distal, with early respiratory failure, autosomal dominant; Hereditary myopathy with early respiratory failure; MYOPATHY, PROXIMAL, WITH EARLY RESPIRATORY MUSCLE INVOLVEMENT; EDSTROM MYOPATHY. Identifiers: Orphanet 178464, Orphanet 34521, MedGen C1863599, MONDO:0011362, OMIM 603689.
Tibial muscular dystrophy (TMD). Also called: Udd Distal Myopathy – Tibial Muscular Dystrophy; Tibial muscular dystrophy, tardive; UDD MYOPATHY. Identifiers: Orphanet 609, MedGen C1838244, MONDO:0010870, OMIM 600334.

Allele frequency attached by ClinVar (database versions not stated): gnomAD exomes 0.00087 and 0.00032; ESP Exome Variant Server 0.00347; ExAC 0.00109; gnomAD 0.00398 and 0.00369; 1000 Genomes Project 30x 0.00344; 1000 Genomes Project 0.00359; TOPMed 0.00444.
gnomAD v4.1: 1,051 of 1,613,824 alleles (0.065%); highest among the groups gnomAD compares: African/African-American, 1.2%; 7 homozygotes.

Submissions (19):

Labcorp Genetics (formerly Invitae), Labcorp
Classification: Benign for Dilated cardiomyopathy 1G; Autosomal recessive limb-girdle muscular dystrophy type 2J. Last evaluated: 2026-02-02. Review status: criteria provided, single submitter. Criteria: Invitae Variant Classification Sherloc (09022015). Collection method: clinical testing. Allele origin: germline.

Molecular Diagnostic Laboratory for Inherited Cardiovascular Disease, Montreal Heart Institute
Classification: Benign. Last evaluated: 2025-04-09. Review status: criteria provided, single submitter. Criteria: ACMG Guidelines, 2015. Collection method: clinical testing. Allele origin: germline. Affected: no.

Athena Diagnostics
Classification: Benign. Last evaluated: 2025-03-13. Review status: criteria provided, single submitter. Criteria: Athena Diagnostics Criteria. Collection method: clinical testing. Allele origin: unknown.
Comment: The frequency of this variant in the general population is higher than would generally be expected for pathogenic variants in this gene.

Blueprint Genetics
Classification: Likely benign. Last evaluated: 2024-10-18. Review status: criteria provided, single submitter. Criteria: ACMG Guidelines, 2015. Collection method: clinical testing. Allele origin: germline.

Mayo Clinic Laboratories, Mayo Clinic
Classification: Likely benign. Last evaluated: 2024-04-02. Review status: criteria provided, single submitter. Criteria: ACMG Guidelines, 2015. Collection method: clinical testing. Allele origin: germline. Observed: 9 variant alleles.

CeGaT Center for Human Genetics Tuebingen
Classification: Benign. Last evaluated: 2023-07-01. Review status: criteria provided, single submitter. Criteria: CeGaT Center For Human Genetics Tuebingen Variant Classification Criteria Version 2. Collection method: clinical testing. Allele origin: germline. Affected: yes. Observed: 1 variant allele.
Comment: TTN: BS1, BS2

Women's Health and Genetics/Laboratory Corporation of America, LabCorp
Classification: Likely benign. Last evaluated: 2023-03-27. Review status: criteria provided, single submitter. Criteria: LabCorp Variant Classification Summary - May 2015. Collection method: clinical testing. Allele origin: germline.

Genome-Nilou Lab
Classification: Benign for Autosomal recessive limb-girdle muscular dystrophy type 2J. Last evaluated: 2021-09-10. Review status: criteria provided, single submitter. Criteria: ACMG Guidelines, 2015. Collection method: clinical testing. Allele origin: germline. Affected: no.

Genome-Nilou Lab
Classification: Benign for Myopathy, myofibrillar, 9, with early respiratory failure. Last evaluated: 2021-09-10. Review status: criteria provided, single submitter. Criteria: ACMG Guidelines, 2015. Collection method: clinical testing. Allele origin: germline. Affected: no.

Genome-Nilou Lab
Classification: Benign for Early-onset myopathy with fatal cardiomyopathy. Last evaluated: 2021-09-10. Review status: criteria provided, single submitter. Criteria: ACMG Guidelines, 2015. Collection method: clinical testing. Allele origin: germline. Affected: no.

Genome-Nilou Lab
Classification: Benign for Tibial muscular dystrophy. Last evaluated: 2021-09-10. Review status: criteria provided, single submitter. Criteria: ACMG Guidelines, 2015. Collection method: clinical testing. Allele origin: germline. Affected: no.

Laboratory for Molecular Medicine, Mass General Brigham Personalized Medicine
Classification: Benign. Last evaluated: 2015-11-09. Review status: criteria provided, single submitter. Criteria: LMM Criteria. Collection method: clinical testing. Allele origin: germline. Observed: 9 variant alleles.
Comment: p.Val4040Met in exon 51 of TTN: This variant is not expected to have clinical si gnificance because it has been identified in 1.2% (121/9780) of African chromoso mes by the Exome Aggregation Consortium (ExAC; d bSNP rs66839174).

GeneDx
Classification: Benign. Last evaluated: 2015-06-11. Review status: criteria provided, single submitter. Criteria: GeneDx Variant Classification (06012015). Collection method: clinical testing. Allele origin: germline. Affected: yes.
Comment: This variant is considered likely benign or benign based on one or more of the following criteria: it is a conservative change, it occurs at a poorly conserved position in the protein, it is predicted to be benign by multiple in silico algorithms, and/or has population frequency not consistent with disease.

Genetic Services Laboratory, University of Chicago
Classification: Likely benign. Last evaluated: 2014-08-14. Review status: criteria provided, single submitter. Criteria: ACMG Guidelines, 2015. Collection method: clinical testing. Allele origin: germline.

Breakthrough Genomics
Classification: Likely benign. Review status: criteria provided, single submitter. Criteria: ACMG Guidelines, 2015. Collection method: not provided. Allele origin: germline. Inheritance: Autosomal recessive inheritance. Affected: yes.

Clinical Genetics DNA and cytogenetics Diagnostics Lab, Erasmus MC, Erasmus Medical Center
Classification: Benign. Review status: no assertion criteria provided. Collection method: clinical testing. Allele origin: germline. Affected: yes. Study: VKGL Data-share Consensus. Not counted in ClinVar's aggregate classification.

Clinical Genetics, Academic Medical Center
Classification: Benign. Review status: no assertion criteria provided. Collection method: clinical testing. Allele origin: germline. Affected: yes. Study: VKGL Data-share Consensus. Not counted in ClinVar's aggregate classification.

Joint Genome Diagnostic Labs from Nijmegen and Maastricht, Radboudumc and MUMC+
Classification: Benign. Review status: no assertion criteria provided. Collection method: clinical testing. Allele origin: germline. Affected: yes. Study: VKGL Data-share Consensus. Not counted in ClinVar's aggregate classification.

Laboratory of Diagnostic Genome Analysis, Leiden University Medical Center (LUMC)
Classification: Benign. Review status: no assertion criteria provided. Collection method: clinical testing. Allele origin: germline. Affected: yes. Study: VKGL Data-share Consensus. Not counted in ClinVar's aggregate classification.